The following is an entry in ClinVar:

NM_001303457.2(TTI1):c.348C>T (p.Ser116=)

Gene: TTI1 (TELO2 interacting protein 1; minus strand). Cytogenetic location: 20q11.23.
Variant type: single nucleotide variant.
Coding change: c.348C>T on transcript NM_001303457.2 (MANE Select); coding-DNA position 348, C replaced by T.
Protein change: p.Ser116=; no amino-acid change (serine 116 retained).
Molecular consequence: synonymous variant.
Genome position (GRCh38, 1-based): chr20:38,013,469, G>A on the plus strand (C>T on the coding strand, the complement: TTI1 is on the minus strand). VCF-style: chr20-38013469-G-A. GRCh37 (hg19) VCF-style: chr20-36641871-G-A.
Other names: c.348C>T, p.Ser116= (NM_014657.3).
Identifiers: ClinVar variation 2652313 (VCV002652313.24), dbSNP rs117364049, ClinGen allele CA9849651.
Genomic context (GRCh38, chr20:38,013,469, plus strand): 5'-CCCATAAGCTGAGTGCATTAATGTGCTAAGTCCCTGGATCACAGCCAATTTCAACTCCTC[G>A]GACACAGCCGCAGGTTTTTGGGAGCTGGGTGAATACAGACAAGCAGAGAGTTCTGAAAAG-3'
Protein context (NP_001290386.1, residues 106-126): SPSSQKPAAV[Ser116=]EELKLAVIQG

ClinVar aggregate classification (germline): Likely benign (1 of 4 stars; one submission).

Allele frequency attached by ClinVar (database versions not stated): 1000 Genomes Project 0.00280; 1000 Genomes Project 30x 0.00312; TOPMed 0.00518; ExAC 0.00563; gnomAD 0.00599; gnomAD exomes 0.00773; ESP Exome Variant Server 0.00815.
gnomAD v4.1: 12,117 of 1,613,936 alleles (0.75%); highest among the groups gnomAD compares: Non-Finnish European, 0.89%; 62 homozygotes.

Submission:

CeGaT Center for Human Genetics Tuebingen
Classification: Likely benign. Last evaluated: 2026-08-01. Review status: criteria provided, single submitter. Criteria: CeGaT Center For Human Genetics Tuebingen Variant Classification Criteria Version 2. Collection method: clinical testing. Allele origin: germline. Affected: yes. Observed: 16 variant alleles.
Comment: TTI1: BP4, BP7, BS2